The following is an entry in ClinVar:

ClinVar aggregate classification (germline): Uncertain significance. Review status: criteria provided, multiple submitters, no conflicts (2 of 4 stars). 5 submissions from 5 submitters: Uncertain significance (5). Last evaluated 2026-01-14.

Conditions:
Renal cell carcinoma. Identifiers: Orphanet 217071, MedGen C0007134, MeSH D002292, MONDO:0005086, HP:0005584.
Autosomal recessive nonsyndromic hearing loss 97. Also called: Deafness, autosomal recessive 97. Identifiers: Orphanet 90636, MedGen C4084709, MONDO:0014739, OMIM 616705.
Hereditary cancer-predisposing syndrome. Also called: Tumor predisposition; Hereditary neoplastic syndrome; Neoplastic Syndromes, Hereditary; Hereditary Cancer Syndrome. Identifiers: Orphanet 140162, MedGen C0027672, MeSH D009386, MONDO:0015356.
Papillary renal cell carcinoma type 1 (RCCP1). Also called: RENAL CELL CARCINOMA, PAPILLARY, 1, SOMATIC; Renal adenocarcinoma; Renal cell carcinoma 1; Renal cell carcinoma, somatic. Identifiers: Orphanet 47044, MedGen C1336839, OMIM 605074, HP:0011797.

Allele frequency attached by ClinVar (database versions not stated): gnomAD exomes below 0.00001; gnomAD 0.00002 and 0.00003; TOPMed 0.00003; ESP Exome Variant Server 0.00016.
gnomAD v4.1: 8 of 1,614,082 alleles (0.0005%); highest among the groups gnomAD compares: African/African-American, 0.0027%; no homozygotes.

Submissions (5):

Labcorp Genetics (formerly Invitae), Labcorp
Classification: Uncertain significance for Renal cell carcinoma. Last evaluated: 2026-01-14. Review status: criteria provided, single submitter. Criteria: Invitae Variant Classification Sherloc (09022015). Collection method: clinical testing. Allele origin: germline.
Comment: This sequence change replaces isoleucine, which is neutral and non-polar, with methionine, which is neutral and non-polar, at codon 1355 of the MET protein (p.Ile1355Met). This variant is present in population databases (rs376418811, gnomAD 0.0009%). This variant has not been reported in the literature in individuals affected with MET-related conditions. ClinVar contains an entry for this variant (Variation ID: 135969). Invitae Evidence Modeling of protein sequence and biophysical properties (such as structural, functional, and spatial information, amino acid conservation, physicochemical variation, residue mobility, and thermodynamic stability) indicates that this missense variant is not expected to disrupt MET protein function with a negative predictive value of 80%. In summary, the available evidence is currently insufficient to determine the role of this variant in disease. Therefore, it has been classified as a Variant of Uncertain Significance.

Ambry Genetics
Classification: Uncertain significance for Hereditary cancer-predisposing syndrome. Last evaluated: 2025-07-15. Review status: criteria provided, single submitter. Criteria: Ambry Variant Classification Scheme 2023. Collection method: clinical testing. Allele origin: germline.
Comment: The p.I1355M variant (also known as c.4065A>G), located in coding exon 20 of the MET gene, results from an A to G substitution at nucleotide position 4065. The isoleucine at codon 1355 is replaced by methionine, an amino acid with highly similar properties. This amino acid position is highly conserved in available vertebrate species. In addition, the in silico prediction for this alteration is inconclusive. Based on the available evidence, the clinical significance of this variant remains unclear.

GeneDx
Classification: Uncertain significance. Last evaluated: 2024-09-04. Review status: criteria provided, single submitter. Criteria: GeneDx Variant Classification Process June 2021. Collection method: clinical testing. Allele origin: germline. Affected: yes.
Comment: Not observed at significant frequency in large population cohorts (gnomAD); In silico analysis indicates that this missense variant does not alter protein structure/function; Has not been previously published as pathogenic or benign to our knowledge

Baylor Genetics
Classification: Uncertain significance for Autosomal recessive nonsyndromic hearing loss 97. Last evaluated: 2023-10-22. Review status: criteria provided, single submitter. Criteria: ACMG Guidelines, 2015. Collection method: clinical testing. Allele origin: unknown.

St. Jude Molecular Pathology, St. Jude Children's Research Hospital
Classification: Uncertain significance for Papillary renal cell carcinoma type 1. Last evaluated: 2022-08-17. Review status: criteria provided, single submitter. Criteria: St. Jude Assertion Criteria 2020. Collection method: clinical testing. Allele origin: germline.
Comment: The MET c.4065A>G (p.Ile1355Met) missense change has a maximum subpopulation frequency of 0.00088% in gnomAD v2.1.1. The in silico tool REVEL predicts a benign effect on protein function, but to our knowledge this prediction has not been confirmed by functional studies. To our knowledge, this variant has not been reported in individuals with hereditary papillary renal cell carcinoma. In summary, the evidence currently available is insufficient to determine the clinical significance of this variant. It has therefore been classified as of uncertain significance.

NM_000245.4(MET):c.4011A>G (p.Ile1337Met)

Gene: MET (MET proto-oncogene, receptor tyrosine kinase; plus strand). Cytogenetic location: 7q31.2.
Variant type: single nucleotide variant.
Coding change: c.4011A>G on transcript NM_000245.4 (MANE Select); coding-DNA position 4011, A replaced by G.
Protein change: p.Ile1337Met; replaces isoleucine 1337 with methionine.
Molecular consequence: missense variant.
Genome position (GRCh38, 1-based): chr7:116,795,962, A>G. VCF-style: chr7-116795962-A-G. GRCh37 (hg19) VCF-style: chr7-116436016-A-G.
Other names: c.4065A>G (LRG_662t1); c.4065A>G, p.Ile1355Met (NM_001127500.3); c.2721A>G, p.Ile907Met (NM_001324402.2); short protein forms I1355M, I1337M, I907M.
Identifiers: ClinVar variation 135969 (VCV000135969.20), dbSNP rs376418811, ClinGen allele CA332677.